The following is an entry in ClinVar:

ClinVar aggregate classification (germline): Uncertain significance (1 of 4 stars; one submission).

Conditions:
GP1BA-related disorder. Also called: GP1BA-related condition.

Submission:

PreventionGenetics, part of Exact Sciences
Classification: Uncertain significance for GP1BA-related condition. Last evaluated: 2025-02-20. Review status: criteria provided, single submitter. Criteria: ACMG Guidelines, 2015. Collection method: clinical testing. Allele origin: germline.
Comment: The GP1BA c.901G>A variant is predicted to result in the amino acid substitution p.Glu301Lys. This variant has been reported with the compound heterozygous state in an individual with thrombocytopenia (Wang et al. 2018. PubMed ID: 30103613). This variant is not reported in a large population database (gnomAD), indicating this variant is rare. At this time, the clinical significance of this variant is uncertain due to the absence of conclusive functional and genetic evidence.

NM_000173.7(GP1BA):c.901G>A (p.Glu301Lys)

Gene: GP1BA (glycoprotein Ib platelet subunit alpha; plus strand). Cytogenetic location: 17p13.2.
Variant type: single nucleotide variant.
Coding change: c.901G>A on transcript NM_000173.7 (MANE Select); coding-DNA position 901, G replaced by A.
Protein change: p.Glu301Lys; replaces glutamic acid 301 with lysine.
Molecular consequence: missense variant.
Genome position (GRCh38, 1-based): chr17:4,933,505, G>A. VCF-style: chr17-4933505-G-A. GRCh37 (hg19) VCF-style: chr17-4836800-G-A.
Other names: short protein forms E301K.
Identifiers: ClinVar variation 4990016 (VCV004990016.1).